The following is an entry in ClinVar:

ClinVar aggregate classification (germline): Uncertain significance (1 of 4 stars; one submission).

Conditions:
Hereditary cancer-predisposing syndrome. Also called: Tumor predisposition; Hereditary neoplastic syndrome; Hereditary Cancer Syndrome; Neoplastic Syndromes, Hereditary. Identifiers: Orphanet 140162, MedGen C0027672, MeSH D009386, MONDO:0015356.

Submission:

Ambry Genetics
Classification: Uncertain significance for Hereditary cancer-predisposing syndrome. Last evaluated: 2025-04-19. Review status: criteria provided, single submitter. Criteria: Ambry Variant Classification Scheme 2023. Collection method: clinical testing. Allele origin: germline.
Comment: The p.Y742C variant (also known as c.2225A>G), located in coding exon 15 of the PDGFRA gene, results from an A to G substitution at nucleotide position 2225. The tyrosine at codon 742 is replaced by cysteine, an amino acid with highly dissimilar properties. This amino acid position is conserved. In addition, this alteration is predicted to be deleterious by in silico analysis. Based on the available evidence, the clinical significance of this variant remains unclear.

NM_006206.6(PDGFRA):c.2225A>G (p.Tyr742Cys)

Gene: PDGFRA (platelet derived growth factor receptor alpha; plus strand). Cytogenetic location: 4q12.
Variant type: single nucleotide variant.
Coding change: c.2225A>G on transcript NM_006206.6 (MANE Select); coding-DNA position 2225, A replaced by G.
Protein change: p.Tyr742Cys; replaces tyrosine 742 with cysteine.
Molecular consequence: missense variant.
Genome position (GRCh38, 1-based): chr4:54,280,384, A>G. VCF-style: chr4-54280384-A-G. GRCh37 (hg19) VCF-style: chr4-55146551-A-G.
Other names: c.2225A>G, p.Tyr742Cys (NM_001347827.2, NM_001347829.2); c.2300A>G, p.Tyr767Cys (NM_001347828.2); c.2264A>G, p.Tyr755Cys (NM_001347830.2); short protein forms Y742C, Y767C, Y755C.
Identifiers: ClinVar variation 3930206 (VCV003930206.1).